The following is an entry in ClinVar:

NM_001211.6(BUB1B):c.386G>A (p.Gly129Glu)

Gene: BUB1B (BUB1 mitotic checkpoint serine/threonine kinase B; plus strand). Cytogenetic location: 15q15.1.
Variant type: single nucleotide variant.
Coding change: c.386G>A on transcript NM_001211.6 (MANE Select); coding-DNA position 386, G replaced by A.
Protein change: p.Gly129Glu; replaces glycine 129 with glutamic acid.
Molecular consequence: missense variant.
Genome position (GRCh38, 1-based): chr15:40,176,478, G>A. VCF-style: chr15-40176478-G-A. GRCh37 (hg19) VCF-style: chr15-40468679-G-A.
Other names: short protein forms G129E.
Identifiers: ClinVar variation 1735683 (VCV001735683.2), dbSNP rs2542523892, ClinGen allele CA391681038.

ClinVar aggregate classification (germline): Uncertain significance (1 of 4 stars; one submission).

Conditions:
Inborn genetic diseases. Identifiers: MedGen C0950123, MeSH D030342.

Submission:

Ambry Genetics
Classification: Uncertain significance for Inborn genetic diseases. Last evaluated: 2022-06-30. Review status: criteria provided, single submitter. Criteria: Ambry Variant Classification Scheme 2023. Collection method: clinical testing. Allele origin: germline.
Comment: The p.G129E variant (also known as c.386G>A), located in coding exon 5 of the BUB1B gene, results from a G to A substitution at nucleotide position 386. The glycine at codon 129 is replaced by glutamic acid, an amino acid with similar properties. This amino acid position is conserved. In addition, this alteration is predicted to be deleterious by in silico analysis. Since supporting evidence is limited at this time, the clinical significance of this alteration remains unclear.